The following is an entry in ClinVar:

NM_001256012.3(MYH10):c.265del (p.Asp89fs)

Gene: MYH10 (myosin heavy chain 10; minus strand). Cytogenetic location: 17p13.1.
Variant type: Deletion.
Coding change: c.265del on transcript NM_001256012.3 (MANE Select); coding-DNA position 265, one base deleted (G; older notation c.265delG).
Protein change: p.Asp89fs; shifts the reading frame from aspartic acid 89.
Molecular consequence: frameshift variant.
Genome position (GRCh38, 1-based): chr17:8,622,982, C deleted on the plus strand (G on the coding strand, the reverse complement: MYH10 is on the minus strand); the first of 2 consecutive C bases (chr17:8,622,982-8,622,983); deleting either gives the same sequence. VCF-style (leftmost placement, unchanged base first): chr17-8622981-TC-T. GRCh37 (hg19) VCF-style: chr17-8526299-TC-T.
Other names: c.265del, p.Asp89fs (NM_001256095.2, NM_001375266.1, NM_005964.5); short protein forms D89fs.
Identifiers: ClinVar variation 3392899 (VCV003392899.1).

ClinVar aggregate classification (germline): Uncertain significance (1 of 4 stars; one submission).

Submission:

GeneDx
Classification: Uncertain significance. Last evaluated: 2024-06-25. Review status: criteria provided, single submitter. Criteria: GeneDx Variant Classification Process June 2021. Collection method: clinical testing. Allele origin: germline. Affected: yes.
Comment: Not observed at significant frequency in large population cohorts (gnomAD); Frameshift variant predicted to result in protein truncation or nonsense mediated decay in a gene or region of a gene for which loss of function is not a well-established mechanism of disease; Has not been previously published as pathogenic or benign to our knowledge